The following is an entry in ClinVar:

ClinVar aggregate classification (germline): Pathogenic (1 of 4 stars; one submission).

Conditions:
Renal tubular acidosis, distal, 3, with or without sensorineural hearing loss (DRTA3). Identifiers: MedGen C5399980, MONDO:0011268, OMIM 602722.

Submission:

Juno Genomics, Hangzhou Juno Genomics, Inc
Classification: Pathogenic for Renal tubular acidosis, distal, 3, with or without sensorineural hearing loss. Review status: criteria provided, single submitter. Criteria: ACMG Guidelines, 2015. Collection method: clinical testing. Allele origin: germline.
Comment: Absent from controls (or at extremely low frequency if recessive) in Genome Aggregation Database.;Null variant in a gene where loss of function (LOF) is a known mechanism of disease.;Patient's phenotype or family history is highly specific for a disease with a single genetic etiology.

NM_020632.3(ATP6V0A4):c.1504dup (p.Tyr502fs)

Gene: ATP6V0A4 (ATPase H+ transporting V0 subunit a4; minus strand). Cytogenetic location: 7q34.
Variant type: Duplication.
Coding change: c.1504dup on transcript NM_020632.3 (MANE Select); coding-DNA position 1504, one base duplicated (T; older notation c.1504dupT).
Protein change: p.Tyr502fs; shifts the reading frame from tyrosine 502.
Molecular consequence: frameshift variant.
Genome position (GRCh38, 1-based): chr7:138,739,608, A duplicated on the plus strand (T on the coding strand, the reverse complement: ATP6V0A4 is on the minus strand). VCF-style (leftmost placement, unchanged base first): chr7-138739607-T-TA. GRCh37 (hg19) VCF-style: chr7-138424352-T-TA.
Other names: c.1504dup, p.Tyr502fs (NM_130840.3, NM_130841.3); short protein forms Y502fs.
Identifiers: ClinVar variation 5020038 (VCV005020038.2).
Genomic context (GRCh38, chr7:138,739,607, plus strand): 5'-ATCCCAAACGGGTATGGATTTCCAAAATACACTCCTGGTATGGCTGGGTCCAGCTGCAGA[T>TA]ATAGACTTTCCTCCATTACATGAGTACTTTAGAGGGAGAAAAGGAGAAAAACAAACAATG-3'